The following is an entry in ClinVar:

ClinVar aggregate classification (germline): Uncertain significance (1 of 4 stars; one submission).

Conditions:
Charlevoix-Saguenay spastic ataxia (SACS). Also called: SPASTIC ATAXIA 6, AUTOSOMAL RECESSIVE; AUTOSOMAL RECESSIVE SPASTIC ATAXIA OF CHARLEVOIX-SAGUENAY; Spastic ataxia of Charlevoix-Saguenay. Identifiers: Orphanet 98, MedGen C1849140, MONDO:0010041, OMIM 270550.

gnomAD v4.1: 1 of 1,604,560 alleles (0.000062%); highest among the groups gnomAD compares: Non-Finnish European, 0.000085%; no homozygotes.

Submission:

Myriad Genetics, Inc.
Classification: Uncertain significance for Charlevoix-Saguenay spastic ataxia. Last evaluated: 2026-06-19. Review status: criteria provided, single submitter. Criteria: Myriad Autosomal Dominant, Autosomal Recessive and X-Linked Classification Criteria (2023). Collection method: clinical testing. Allele origin: unknown.
Comment: NM_014363.4(SACS):c.3043T>C(W1015R) is a missense variant classified as a variant of uncertain significance in the context of autosomal recessive spastic ataxia of Charlevoix-Saguenay. W1015R has not been observed in cases with relevant disease. Relevant functional assessments of this variant are not available in the literature. W1015R has not been observed in referenced population frequency databases. In summary, there is insufficient evidence to classify NM_014363.4(SACS):c.3043T>C(W1015R) as pathogenic or benign. Please note: this variant was assessed in the context of healthy population screening.

NM_014363.6(SACS):c.3043T>C (p.Trp1015Arg)

Gene: SACS (sacsin molecular chaperone; minus strand). Cytogenetic location: 13q12.12.
Variant type: single nucleotide variant.
Coding change: c.3043T>C on transcript NM_014363.6 (MANE Select); coding-DNA position 3043, T replaced by C.
Protein change: p.Trp1015Arg; replaces tryptophan 1015 with arginine.
Molecular consequence: missense variant.
Genome position (GRCh38, 1-based): chr13:23,340,833, A>G on the plus strand (T>C on the coding strand, the complement: SACS is on the minus strand). VCF-style: chr13-23340833-A-G. GRCh37 (hg19) VCF-style: chr13-23914972-A-G.
Other names: c.2602T>C, p.Trp868Arg (NM_001278055.2); c.3070T>C, p.Trp1024Arg (NM_001437336.1); short protein forms W868R, W1015R, W1024R.
Identifiers: ClinVar variation 5003358 (VCV005003358.1).